The following is an entry in ClinVar:

NM_000264.5(PTCH1):c.655A>T (p.Ile219Leu)

Gene: PTCH1 (patched 1; minus strand). Cytogenetic location: 9q22.32.
Variant type: single nucleotide variant.
Coding change: c.655A>T on transcript NM_000264.5 (MANE Select); coding-DNA position 655, A replaced by T.
Protein change: p.Ile219Leu; replaces isoleucine 219 with leucine.
Molecular consequence: missense variant. On other transcripts: non-coding transcript variant (1).
Genome position (GRCh38, 1-based): chr9:95,482,040, T>A on the plus strand (A>T on the coding strand, the complement: PTCH1 is on the minus strand). VCF-style: chr9-95482040-T-A. GRCh37 (hg19) VCF-style: chr9-98244322-T-A.
Other names: c.457A>T, p.Ile153Leu (NM_001083602.3, NM_001354919.2); c.652A>T, p.Ile218Leu (NM_001083603.3); c.202A>T, p.Ile68Leu (NM_001083604.3, NM_001083605.3, NM_001083606.3 and 1 more transcripts); c.655A>T, p.Ile219Leu (NM_001354918.2); short protein forms I219L, I68L, I153L, I218L.
Identifiers: ClinVar variation 1754184 (VCV001754184.2), dbSNP rs1841580631, ClinGen allele CA374114992.

ClinVar aggregate classification (germline): Uncertain significance (1 of 4 stars; one submission).

Conditions:
Hereditary cancer-predisposing syndrome. Also called: Neoplastic Syndromes, Hereditary; Tumor predisposition; Hereditary Cancer Syndrome; Hereditary neoplastic syndrome. Identifiers: Orphanet 140162, MedGen C0027672, MeSH D009386, MONDO:0015356.

Submission:

Ambry Genetics
Classification: Uncertain significance for Hereditary cancer-predisposing syndrome. Last evaluated: 2020-02-07. Review status: criteria provided, single submitter. Criteria: Ambry Variant Classification Scheme 2023. Collection method: clinical testing. Allele origin: germline.
Comment: The p.I219L variant (also known as c.655A>T) is located in coding exon 5 of the PTCH1 gene. The isoleucine at codon 219 is replaced by leucine, an amino acid with highly similar properties. This change occurs in the first base pair of coding exon 5. This amino acid position is well conserved in available vertebrate species. In addition, this alteration is predicted to be tolerated by in silico analysis. Since supporting evidence is limited at this time, the clinical significance of this alteration remains unclear.